The following is an entry in ClinVar:

ClinVar aggregate classification (germline): Uncertain significance. Review status: criteria provided, multiple submitters, no conflicts (2 of 4 stars). 2 submissions from 2 submitters: Uncertain significance (2). Last evaluated 2024-08-11.

Conditions:
Neuroblastoma, susceptibility to, 3. Also called: ALK-Related Neuroblastic Tumor Susceptibility. Identifiers: Orphanet 635, MedGen C2751681, MONDO:0013083, OMIM 613014.

Allele frequency attached by ClinVar (database versions not stated): ExAC 0.00001.

Submissions (2):

Labcorp Genetics (formerly Invitae), Labcorp
Classification: Uncertain significance for Neuroblastoma, susceptibility to, 3. Last evaluated: 2024-08-11. Review status: criteria provided, single submitter. Criteria: Invitae Variant Classification Sherloc (09022015). Collection method: clinical testing. Allele origin: germline.
Comment: This sequence change replaces histidine, which is basic and polar, with leucine, which is neutral and non-polar, at codon 1493 of the ALK protein (p.His1493Leu). This variant is present in population databases (rs747759910, gnomAD 0.003%). This variant has not been reported in the literature in individuals affected with ALK-related conditions. ClinVar contains an entry for this variant (Variation ID: 1064057). An algorithm developed to predict the effect of missense changes on protein structure and function (PolyPhen-2) suggests that this variant is likely to be tolerated. In summary, the available evidence is currently insufficient to determine the role of this variant in disease. Therefore, it has been classified as a Variant of Uncertain Significance.

GeneDx
Classification: Uncertain significance. Last evaluated: 2023-06-27. Review status: criteria provided, single submitter. Criteria: GeneDx Variant Classification Process June 2021. Collection method: clinical testing. Allele origin: germline. Affected: yes.
Comment: Not observed at significant frequency in large population cohorts (gnomAD); In silico analysis supports that this missense variant has a deleterious effect on protein structure/function; Has not been previously published as pathogenic or benign to our knowledge

NM_004304.5(ALK):c.4478A>T (p.His1493Leu)

Gene: ALK (ALK receptor tyrosine kinase; minus strand). Cytogenetic location: 2p23.2.
Variant type: single nucleotide variant.
Coding change: c.4478A>T on transcript NM_004304.5 (MANE Select); coding-DNA position 4478, A replaced by T.
Protein change: p.His1493Leu; replaces histidine 1493 with leucine.
Molecular consequence: missense variant.
Genome position (GRCh38, 1-based): chr2:29,193,609, T>A on the plus strand (A>T on the coding strand, the complement: ALK is on the minus strand). VCF-style: chr2-29193609-T-A. GRCh37 (hg19) VCF-style: chr2-29416475-T-A.
Other names: c.4478A>T (NM_004304.4); c.1274A>T, p.His425Leu (NM_001353765.2); short protein forms H1493L, H425L.
Identifiers: ClinVar variation 1064057 (VCV001064057.10), dbSNP rs747759910, ClinGen allele CA1593560.
Genomic context (GRCh38, chr2:29,193,609, plus strand): 5'-TCTGTAAACCAGGAGCCGTACGTTGGGTTCCACAAGCTGGTGGGCTTGTTTCTGGATCCG[T>A]GGACCTTGTGCAACTCCGAAGGAGGGTTGGACTGAGAGAATGCCATATTCACGTGTCCCC-3'
Protein context (NP_004295.2, residues 1483-1503): SNPPSELHKV[His1493Leu]GSRNKPTSLW